The following is an entry in ClinVar:

NM_000070.3(CAPN3):c.2390A>G (p.His797Arg)

Gene: CAPN3 (calpain 3; plus strand). Cytogenetic location: 15q15.1.
Variant type: single nucleotide variant.
Coding change: c.2390A>G on transcript NM_000070.3 (MANE Select); coding-DNA position 2390, A replaced by G.
Protein change: p.His797Arg; replaces histidine 797 with arginine.
Molecular consequence: missense variant.
Genome position (GRCh38, 1-based): chr15:42,411,296, A>G. VCF-style: chr15-42411296-A-G. GRCh37 (hg19) VCF-style: chr15-42703494-A-G.
Other names: c.2372A>G, p.His791Arg (NM_024344.2); c.2114A>G, p.His705Arg (NM_173087.2); c.854A>G, p.His285Arg (NM_173088.2); c.395A>G, p.His132Arg (NM_173089.2, NM_173090.2); short protein forms H797R, H285R, H791R, H705R, H132R.
Identifiers: ClinVar variation 210562 (VCV000210562.14), dbSNP rs766630908, ClinGen allele CA208282.

ClinVar aggregate classification (germline): Uncertain significance. Review status: criteria provided, multiple submitters, no conflicts (2 of 4 stars). 5 submissions from 5 submitters: Uncertain significance (3). 2 of the submissions do not count toward it. Last evaluated 2025-08-12.

Conditions:
Autosomal recessive limb-girdle muscular dystrophy type 2A (LGMDR1). Also called: LEYDEN-MOEBIUS MUSCULAR DYSTROPHY; MUSCULAR DYSTROPHY, PELVOFEMORAL; Limb-girdle muscular dystrophy, type 2A; Calpainopathy; Muscular dystrophy, limb-girdle, type 2A, Amish. Identifiers: Orphanet 267, MedGen C1869123, MONDO:0009675, OMIM 253600. Disease mechanism: loss of function.

Allele frequency attached by ClinVar (database versions not stated): gnomAD 0.00001; gnomAD exomes 0.00002 and 0.00006; TOPMed 0.00002; ExAC 0.00008.
gnomAD v4.1: 16 of 1,614,170 alleles (0.00099%); highest among the groups gnomAD compares: Admixed American, 0.023%; no homozygotes.

Submissions (5):

Myriad Genetics, Inc.
Classification: Uncertain significance for Autosomal recessive limb-girdle muscular dystrophy type 2A. Last evaluated: 2025-08-12. Review status: criteria provided, single submitter. Criteria: Myriad Autosomal Dominant, Autosomal Recessive and X-Linked Classification Criteria (2023). Collection method: clinical testing. Allele origin: unknown.
Comment: NM_000070.2(CAPN3):c.2390A>G(H797R) is a missense variant classified as a variant of uncertain significance in the context of calpainopathy. H797R has been observed in a case with relevant disease (PMID: 39678382). Relevant functional assessments of this variant are not available in the literature. H797R has been observed in referenced population frequency databases. In summary, there is insufficient evidence to classify NM_000070.2(CAPN3):c.2390A>G(H797R) as pathogenic or benign. Please note: this variant was assessed in the context of healthy population screening.

Labcorp Genetics (formerly Invitae), Labcorp
Classification: Uncertain significance for Autosomal recessive limb-girdle muscular dystrophy type 2A. Last evaluated: 2021-09-16. Review status: criteria provided, single submitter. Criteria: Invitae Variant Classification Sherloc (09022015). Collection method: clinical testing. Allele origin: germline.
Comment: This sequence change replaces histidine with arginine at codon 797 of the CAPN3 protein (p.His797Arg). The histidine residue is weakly conserved and there is a small physicochemical difference between histidine and arginine. This variant is present in population databases (rs766630908, ExAC 0.08%). This variant has not been reported in the literature in individuals affected with CAPN3-related conditions. ClinVar contains an entry for this variant (Variation ID: 210562). Algorithms developed to predict the effect of missense changes on protein structure and function (SIFT, PolyPhen-2, Align-GVGD) all suggest that this variant is likely to be tolerated. In summary, the available evidence is currently insufficient to determine the role of this variant in disease. Therefore, it has been classified as a Variant of Uncertain Significance.

Genetic Services Laboratory, University of Chicago
Classification: Uncertain significance. Last evaluated: 2015-03-09. Review status: criteria provided, single submitter. Criteria: ACMG Guidelines, 2015. Collection method: clinical testing. Allele origin: germline.

Natera, Inc.
Classification: Uncertain significance for Limb-girdle muscular dystrophy type 2A. Last evaluated: 2020-09-21. Review status: no assertion criteria provided. Collection method: clinical testing. Allele origin: germline. Not counted in ClinVar's aggregate classification.

Counsyl
Classification: Uncertain significance for Autosomal recessive limb-girdle muscular dystrophy type 2A. Last evaluated: 2017-07-05. Review status: no assertion criteria provided. Collection method: clinical testing. Allele origin: unknown. Not counted in ClinVar's aggregate classification.

Literature cited by the submitters: PubMed 39678382 (cited by Myriad Genetics, Inc.).